The following is an entry in ClinVar:

NM_006514.4(SCN10A):c.5203C>G (p.Pro1735Ala)

Gene: SCN10A (sodium voltage-gated channel alpha subunit 10; minus strand). Cytogenetic location: 3p22.2.
Variant type: single nucleotide variant.
Coding change: c.5203C>G on transcript NM_006514.4 (MANE Select); coding-DNA position 5203, C replaced by G.
Protein change: p.Pro1735Ala; replaces proline 1735 with alanine.
Molecular consequence: missense variant.
Genome position (GRCh38, 1-based): chr3:38,698,017, G>C on the plus strand (C>G on the coding strand, the complement: SCN10A is on the minus strand). VCF-style: chr3-38698017-G-C. GRCh37 (hg19) VCF-style: chr3-38739508-G-C.
Other names: c.5200C>G, p.Pro1734Ala (NM_001293306.2); c.4909C>G, p.Pro1637Ala (NM_001293307.2); short protein forms P1735A, P1637A, P1734A.
Identifiers: ClinVar variation 3438090 (VCV003438090.1).

ClinVar aggregate classification (germline): Uncertain significance (1 of 4 stars; one submission).

Conditions:
Cardiovascular phenotype. Identifiers: MedGen CN230736.

gnomAD v4.1: 2 of 1,614,152 alleles (0.00012%); highest among the groups gnomAD compares: Non-Finnish European, 0.000085%; no homozygotes.

Submission:

Ambry Genetics
Classification: Uncertain significance for Cardiovascular phenotype. Last evaluated: 2024-06-30. Review status: criteria provided, single submitter. Criteria: Ambry Variant Classification Scheme 2023. Collection method: clinical testing. Allele origin: germline.
Comment: The p.P1735A variant (also known as c.5203C>G), located in coding exon 27 of the SCN10A gene, results from a C to G substitution at nucleotide position 5203. The proline at codon 1735 is replaced by alanine, an amino acid with highly similar properties. This amino acid position is conserved. In addition, this alteration is predicted to be deleterious by in silico analysis. Based on the available evidence, the clinical significance of this variant remains unclear.